The following is an entry in ClinVar:

ClinVar aggregate classification (germline): Conflicting classifications of pathogenicity. Review status: criteria provided, conflicting classifications (1 of 4 stars). 2 submissions from 2 submitters: Uncertain significance (1); Benign (1). Last evaluated 2025-06-17.

Conditions:
Kabuki syndrome. Also called: Kabuki make-up syndrome; NIIKAWA-KUROKI SYNDROME. Identifiers: Orphanet 2322, MedGen C0796004, MONDO:0016512.
KMT2D-related disorder. Also called: KMT2D-Related Disorders.

gnomAD v4.1: 2 of 1,612,742 alleles (0.00012%); highest among the groups gnomAD compares: African/African-American, 0.0027%; no homozygotes.

Submissions (2):

Labcorp Genetics (formerly Invitae), Labcorp
Classification: Benign for Kabuki syndrome. Last evaluated: 2025-06-17. Review status: criteria provided, single submitter. Criteria: Invitae Variant Classification Sherloc (09022015). Collection method: clinical testing. Allele origin: germline.

PreventionGenetics, part of Exact Sciences
Classification: Uncertain significance for KMT2D-related condition. Last evaluated: 2025-03-26. Review status: criteria provided, single submitter. Criteria: ACMG Guidelines, 2015. Collection method: clinical testing. Allele origin: germline.
Comment: The KMT2D c.10136A>G variant is predicted to result in the amino acid substitution p.Gln3379Arg. To our knowledge, this variant has not been reported in the literature. This variant is reported in 0.0083% of alleles in individuals of African descent in gnomAD. At this time, the clinical significance of this variant is uncertain due to the absence of conclusive functional and genetic evidence.

NM_003482.4(KMT2D):c.10136A>G (p.Gln3379Arg)

Gene: KMT2D (lysine methyltransferase 2D; minus strand). Cytogenetic location: 12q13.12.
Variant type: single nucleotide variant.
Coding change: c.10136A>G on transcript NM_003482.4 (MANE Select); coding-DNA position 10136, A replaced by G.
Protein change: p.Gln3379Arg; replaces glutamine 3379 with arginine.
Molecular consequence: missense variant.
Genome position (GRCh38, 1-based): chr12:49,037,220, T>C on the plus strand (A>G on the coding strand, the complement: KMT2D is on the minus strand). VCF-style: chr12-49037220-T-C. GRCh37 (hg19) VCF-style: chr12-49431003-T-C.
Other names: short protein forms Q3379R.
Identifiers: ClinVar variation 4799726 (VCV004799726.2).